The following is an entry in ClinVar:

ClinVar aggregate classification (germline): Pathogenic (1 of 4 stars; one submission).

Conditions:
Peutz-Jeghers syndrome (PJS). Also called: POLYPOSIS, HAMARTOMATOUS INTESTINAL; POLYPS-AND-SPOTS SYNDROME; Peutz-Jeghers polyposis; Periorificial lentiginosis syndrome. Identifiers: Orphanet 2869, MedGen C0031269, MeSH D010580, MONDO:0008280, OMIM 175200.

Submission:

Labcorp Genetics (formerly Invitae), Labcorp
Classification: Pathogenic for Peutz-Jeghers syndrome. Last evaluated: 2023-03-31. Review status: criteria provided, single submitter. Criteria: Invitae Variant Classification Sherloc (09022015). Collection method: clinical testing. Allele origin: germline.
Comment: For these reasons, this variant has been classified as Pathogenic. This premature translational stop signal has been observed in individual(s) with clinical features of Peutz-Jeghers syndrome (PMID: 29685139). This variant is not present in population databases (gnomAD no frequency). This sequence change creates a premature translational stop signal (p.Phe157Leufs*5) in the STK11 gene. It is expected to result in an absent or disrupted protein product. Loss-of-function variants in STK11 are known to be pathogenic (PMID: 15188174, 16287113).

Literature cited by the submitters: PubMed 29685139; PubMed 15188174; PubMed 16287113.

NM_000455.5(STK11):c.471_472del (p.Phe157fs)

Gene: STK11 (serine/threonine kinase 11; plus strand). Cytogenetic location: 19p13.3.
Variant type: Deletion.
Coding change: c.471_472del on transcript NM_000455.5 (MANE Select); coding-DNA positions 471 to 472, 2 bases deleted (CT; older notation c.471_472delCT).
Protein change: p.Phe157fs; shifts the reading frame from phenylalanine 157.
Molecular consequence: frameshift variant. On other transcripts: non-coding transcript variant (1).
Genome position (GRCh38, 1-based): chr19:1,220,379-1,220,380, CT deleted; deleting any 2 consecutive bases within chr19:1,220,378-1,220,380 gives the same sequence; the c. name uses the placement nearest the transcript's 3' end. VCF-style (leftmost placement, unchanged base first): chr19-1220377-TTC-T. GRCh37 (hg19) VCF-style: chr19-1220376-TTC-T.
Other names: c.471_472del, p.Phe157fs (NM_001407255.1); short protein forms F157fs.
Identifiers: ClinVar variation 2910447 (VCV002910447.3), dbSNP rs2512942495, ClinGen allele CA2695227888.